The following is an entry in ClinVar:

NM_000083.3(CLCN1):c.1825A>C (p.Met609Leu)

Gene: CLCN1 (chloride voltage-gated channel 1; plus strand). Cytogenetic location: 7q34.
Variant type: single nucleotide variant.
Coding change: c.1825A>C on transcript NM_000083.3 (MANE Select); coding-DNA position 1825, A replaced by C.
Protein change: p.Met609Leu; replaces methionine 609 with leucine.
Molecular consequence: missense variant. On other transcripts: non-coding transcript variant (1).
Genome position (GRCh38, 1-based): chr7:143,342,400, A>C. VCF-style: chr7-143342400-A-C. GRCh37 (hg19) VCF-style: chr7-143039493-A-C.
Other names: short protein forms M609L.
Identifiers: ClinVar variation 2940986 (VCV002940986.3), dbSNP rs2487091577, ClinGen allele CA369647494.
Genomic context (GRCh38, chr7:143,342,400, plus strand): 5'-GGGCTAACCCACCATGCTTTCTCCCTCCATAGCAAATATACCATCTTTGTTGAGGACATC[A>C]TGGTACGTGATGTGAAGTTTGTTTCAGCTTCTTACACATATGGGGAGTTGCGAACCCTGC-3'
Protein context (NP_000074.3, residues 599-619): SKYTIFVEDI[Met609Leu]VRDVKFVSAS

ClinVar aggregate classification (germline): Uncertain significance (1 of 4 stars; one submission).

Conditions:
Congenital myotonia, autosomal dominant form (THD). Also called: THOMSEN DISEASE; Myotonia congenita autosomal dominant. Identifiers: Orphanet 614, MedGen C2936781, MONDO:0008055, OMIM 160800.
Congenital myotonia, autosomal recessive form. Also called: BECKER DISEASE; Becker Generalized Myotonia; myotonia congenita, autosomal recessive. Identifiers: Orphanet 614, MedGen C0751360, MONDO:0009715, OMIM 255700.

Submission:

Labcorp Genetics (formerly Invitae), Labcorp
Classification: Uncertain significance for Congenital myotonia, autosomal recessive form; Congenital myotonia, autosomal dominant form. Last evaluated: 2022-11-01. Review status: criteria provided, single submitter. Criteria: Invitae Variant Classification Sherloc (09022015). Collection method: clinical testing. Allele origin: germline.
Comment: Advanced modeling of protein sequence and biophysical properties (such as structural, functional, and spatial information, amino acid conservation, physicochemical variation, residue mobility, and thermodynamic stability) performed at Invitae indicates that this missense variant is expected to disrupt CLCN1 protein function. In summary, the available evidence is currently insufficient to determine the role of this variant in disease. Therefore, it has been classified as a Variant of Uncertain Significance. This variant has not been reported in the literature in individuals affected with CLCN1-related conditions. This variant is not present in population databases (gnomAD no frequency). This sequence change replaces methionine, which is neutral and non-polar, with leucine, which is neutral and non-polar, at codon 609 of the CLCN1 protein (p.Met609Leu).